The following is an entry in ClinVar:

ClinVar aggregate classification (germline): Likely benign (1 of 4 stars; one submission).

Submission:

GeneDx
Classification: Likely benign. Last evaluated: 2017-04-28. Review status: criteria provided, single submitter. Criteria: GeneDx Variant Classification (06012015). Collection method: clinical testing. Allele origin: germline. Affected: yes.
Comment: This variant is considered likely benign or benign based on one or more of the following criteria: it is a conservative change, it occurs at a poorly conserved position in the protein, it is predicted to be benign by multiple in silico algorithms, and/or has population frequency not consistent with disease.

NM_013339.4(ALG6):c.-207-9dup

Gene: ALG6 (ALG6 alpha-1,3-glucosyltransferase; plus strand). Cytogenetic location: 1p31.3.
Variant type: Duplication.
Coding change: c.-207-9dup on transcript NM_013339.4 (MANE Select); 9 bases into the intron before 207 bases upstream of the start codon, one base duplicated (T; older notation c.-207-9dupT).
Molecular consequence: intron variant.
Genome position (GRCh38, 1-based): chr1:63,370,762, T duplicated; the last of 9 consecutive T bases (chr1:63,370,754-63,370,762); duplicating any one gives the same sequence. VCF-style (leftmost placement, unchanged base first): chr1-63370753-C-CT. GRCh37 (hg19) VCF-style: chr1-63836424-C-CT.
Other names: c.-207-9dupT (NM_013339.3).
Identifiers: ClinVar variation 508965 (VCV000508965.1), dbSNP rs1255831719, ClinGen allele CA418194129.